The following is an entry in ClinVar:

ClinVar aggregate classification (germline): Uncertain significance. Review status: criteria provided, multiple submitters, no conflicts (2 of 4 stars). 2 submissions from 2 submitters: Uncertain significance (2). Last evaluated 2023-02-03.

Conditions:
Hereditary cancer-predisposing syndrome. Also called: Tumor predisposition; Neoplastic Syndromes, Hereditary; Hereditary neoplastic syndrome; Hereditary Cancer Syndrome. Identifiers: Orphanet 140162, MedGen C0027672, MeSH D009386, MONDO:0015356.
Familial adenomatous polyposis 1 (FAP1). Also called: POLYPOSIS, ADENOMATOUS INTESTINAL; FAMILIAL ADENOMATOUS POLYPOSIS 1, ATTENUATED. Identifiers: MedGen C2713442, MONDO:0021056, OMIM 175100. Disease mechanism: loss of function.

Submissions (2):

Ambry Genetics
Classification: Uncertain significance for Hereditary cancer-predisposing syndrome. Last evaluated: 2023-02-03. Review status: criteria provided, single submitter. Criteria: Ambry Variant Classification Scheme 2023. Collection method: clinical testing. Allele origin: germline.
Comment: The p.N2678D variant (also known as c.8032A>G), located in coding exon 15 of the APC gene, results from an A to G substitution at nucleotide position 8032. The asparagine at codon 2678 is replaced by aspartic acid, an amino acid with highly similar properties. This amino acid position is conserved. In addition, in silico predictors for this gene do not accurately predict pathogenicity. Since supporting evidence is limited at this time, the clinical significance of this alteration remains unclear.

Labcorp Genetics (formerly Invitae), Labcorp
Classification: Uncertain significance for Familial adenomatous polyposis 1. Last evaluated: 2020-02-11. Review status: criteria provided, single submitter. Criteria: Invitae Variant Classification Sherloc (09022015). Collection method: clinical testing. Allele origin: germline.
Comment: Algorithms developed to predict the effect of missense changes on protein structure and function are either unavailable or do not agree on the potential impact of this missense change (SIFT: "Tolerated"; PolyPhen-2: "Possibly Damaging"; Align-GVGD: "Class C0"). This variant has not been reported in the literature in individuals with APC-related conditions. This variant is not present in population databases (ExAC no frequency). In summary, the available evidence is currently insufficient to determine the role of this variant in disease. Therefore, it has been classified as a Variant of Uncertain Significance. This sequence change replaces asparagine with aspartic acid at codon 2678 of the APC protein (p.Asn2678Asp). The asparagine residue is highly conserved and there is a small physicochemical difference between asparagine and aspartic acid.

NM_000038.6(APC):c.8032A>G (p.Asn2678Asp)

Gene: APC (APC regulator of Wnt signaling pathway; plus strand). Cytogenetic location: 5q22.2.
Variant type: single nucleotide variant.
Coding change: c.8032A>G on transcript NM_000038.6 (MANE Select); coding-DNA position 8032, A replaced by G.
Protein change: p.Asn2678Asp; replaces asparagine 2678 with aspartic acid.
Molecular consequence: missense variant.
Genome position (GRCh38, 1-based): chr5:112,843,626, A>G. VCF-style: chr5-112843626-A-G. GRCh37 (hg19) VCF-style: chr5-112179323-A-G.
Other names: c.8032A>G, p.Asn2678Asp (NM_001127510.3, NM_001354895.2); c.7978A>G, p.Asn2660Asp (NM_001127511.3); c.8086A>G, p.Asn2696Asp (NM_001354896.2); c.8062A>G, p.Asn2688Asp (NM_001354897.2); c.7957A>G, p.Asn2653Asp (NM_001354898.2); c.7948A>G, p.Asn2650Asp (NM_001354899.2); c.7909A>G, p.Asn2637Asp (NM_001354900.2); c.7855A>G, p.Asn2619Asp (NM_001354901.2); and 6 more; short protein forms N2395D, N2518D, N2552D, N2577D, N2587D, N2619D, N2637D, N2650D.
Identifiers: ClinVar variation 1019045 (VCV001019045.49), dbSNP rs1580689340, ClinGen allele CA16038773.